The following is an entry in ClinVar:

NC_000005.9:g.(?_161520814)_(161531052_?)dup

Gene: GABRG2 (gamma-aminobutyric acid type A receptor subunit gamma2; plus strand). Cytogenetic location: 5q34.
Variant type: Duplication.
Identifiers: ClinVar variation 1500669 (VCV001500669.6).

ClinVar aggregate classification (germline): Likely pathogenic (1 of 4 stars; one submission).

Conditions:
EPILEPSY, CHILDHOOD ABSENCE, SUSCEPTIBILITY TO, 2 (ECA2). Identifiers: Orphanet 64280, MedGen C1843244, OMIM 607681.
Febrile seizures, familial, 8 (FEB8). Also called: CONVULSIONS, FAMILIAL FEBRILE, 8. Identifiers: Orphanet 36387, MedGen C1969810, MONDO:0011891, OMIM 607681.

Submission:

Labcorp Genetics (formerly Invitae), Labcorp
Classification: Likely pathogenic for Febrile seizures, familial, 8; EPILEPSY, CHILDHOOD ABSENCE, SUSCEPTIBILITY TO, 2. Last evaluated: 2022-07-06. Review status: criteria provided, single submitter. Criteria: Invitae Variant Classification Sherloc (09022015). Collection method: clinical testing. Allele origin: germline.
Comment: This variant results in a copy number gain of the genomic region encompassing exon(s) 2-6 of the GABRG2 gene. While the exact position of this variant cannot be determined from the data, sub-genic copy number gains are generally in tandem (PMID: 25640679). This variant is predicted to be out-of-frame, and may result in an absent or disrupted protein product. Loss-of-function variants in GABRG2 are known to be pathogenic (PMID: 22539854, 22750526, 24407264). In summary, the currently available evidence indicates that the variant is pathogenic, but additional data are needed to prove that conclusively. Therefore, this variant has been classified as Likely Pathogenic. A similar copy number variant has been observed in individual(s) with clinical features of GABRG2-related conditions (Invitae).

Literature cited by the submitters: PubMed 25640679; PubMed 22539854; PubMed 22750526; PubMed 24407264.